The following is an entry in ClinVar:

NM_004341.5(CAD):c.2500C>T (p.Arg834Cys)

Genes: CAD (carbamoyl-phosphate synthetase 2, aspartate transcarbamylase, and dihydroorotase; plus strand), LOC126806171 (BRD4-independent group 4 enhancer GRCh37_chr2:27454350-27455549; plus strand). Cytogenetic location: 2p23.3.
Variant type: single nucleotide variant.
Coding change: c.2500C>T on transcript NM_004341.5 (MANE Select); coding-DNA position 2500, C replaced by T.
Protein change: p.Arg834Cys; replaces arginine 834 with cysteine.
Molecular consequence: missense variant.
Genome position (GRCh38, 1-based): chr2:27,232,079, C>T. VCF-style: chr2-27232079-C-T. GRCh37 (hg19) VCF-style: chr2-27454947-C-T.
Other names: c.2311C>T, p.Arg771Cys (NM_001306079.2); short protein forms R771C, R834C.
Identifiers: ClinVar variation 3390673 (VCV003390673.2).
Genomic context (GRCh38, chr2:27,232,079, plus strand): 5'-GCAGCTGCTTTGTGGGCTGGTTATTCAGTGGACCGCCTGTATGAGCTCACACGCATCGAC[C>T]GCTGGTTCCTGCACCGAATGAAGCGTATCATCGCACATGCCCAGCTGCTAGAACAACACC-3'
Protein context (NP_004332.2, residues 824-844): DRLYELTRID[Arg834Cys]WFLHRMKRII

ClinVar aggregate classification (germline): Uncertain significance. Review status: criteria provided, multiple submitters, no conflicts (2 of 4 stars). 2 submissions from 2 submitters: Uncertain significance (2). Last evaluated 2024-12-02.

Submissions (2):

Labcorp Genetics (formerly Invitae), Labcorp
Classification: Uncertain significance. Last evaluated: 2024-12-02. Review status: criteria provided, single submitter. Criteria: Invitae Variant Classification Sherloc (09022015). Collection method: clinical testing. Allele origin: germline.
Comment: This sequence change replaces arginine, which is basic and polar, with cysteine, which is neutral and slightly polar, at codon 834 of the CAD protein (p.Arg834Cys). This variant is present in population databases (rs776502017, gnomAD 0.0009%). This variant has not been reported in the literature in individuals affected with CAD-related conditions. Invitae Evidence Modeling of protein sequence and biophysical properties (such as structural, functional, and spatial information, amino acid conservation, physicochemical variation, residue mobility, and thermodynamic stability) indicates that this missense variant is not expected to disrupt CAD protein function with a negative predictive value of 80%. In summary, the available evidence is currently insufficient to determine the role of this variant in disease. Therefore, it has been classified as a Variant of Uncertain Significance.

GeneDx
Classification: Uncertain significance. Last evaluated: 2024-06-07. Review status: criteria provided, single submitter. Criteria: GeneDx Variant Classification Process June 2021. Collection method: clinical testing. Allele origin: germline. Affected: yes.
Comment: Not observed at significant frequency in large population cohorts (gnomAD); In silico analysis supports that this missense variant has a deleterious effect on protein structure/function; Has not been previously published as pathogenic or benign to our knowledge